The following is an entry in ClinVar:

NM_020921.4(NIN):c.4111G>A (p.Glu1371Lys)

Gene: NIN (ninein; minus strand). Cytogenetic location: 14q22.1.
Variant type: single nucleotide variant.
Coding change: c.4111G>A on transcript NM_020921.4 (MANE Select); coding-DNA position 4111, G replaced by A.
Protein change: p.Glu1371Lys; replaces glutamic acid 1371 with lysine.
Molecular consequence: missense variant. On other transcripts: intron variant (1).
Genome position (GRCh38, 1-based): chr14:50,756,919, C>T on the plus strand (G>A on the coding strand, the complement: NIN is on the minus strand). VCF-style: chr14-50756919-C-T. GRCh37 (hg19) VCF-style: chr14-51223637-C-T.
Other names: c.4111G>A, p.Glu1371Lys (NM_182944.3, NM_182946.2); c.2400-2052G>A (NM_016350.5); short protein forms E1371K.
Identifiers: ClinVar variation 2119918 (VCV002119918.4), dbSNP rs146491539, ClinGen allele CA260827985.
Genomic context (GRCh38, chr14:50,756,919, plus strand): 5'-TTTCTTGCTTACATTCCTCTATGACATGATGTACACTCCTAACCCTGGGCACACACTCTT[C>T]CAGTGTCTGATTGAGCTGGAGTATATTTCCATCAGGTTCGATTTCCAGGTTCTCTAAACT-3'
Protein context (NP_065972.4, residues 1361-1381): GNILQLNQTL[Glu1371Lys]ECVPRVRSVH

ClinVar aggregate classification (germline): Uncertain significance (1 of 4 stars; one submission).

Allele frequency attached by ClinVar (database versions not stated): ESP Exome Variant Server 0.00008.
gnomAD v4.1: 2 of 1,565,878 alleles (0.00013%); highest among the groups gnomAD compares: Admixed American, 0.0019%; no homozygotes.

Submission:

Labcorp Genetics (formerly Invitae), Labcorp
Classification: Uncertain significance. Last evaluated: 2022-03-31. Review status: criteria provided, single submitter. Criteria: Invitae Variant Classification Sherloc (09022015). Collection method: clinical testing. Allele origin: germline.
Comment: This sequence change replaces glutamic acid, which is acidic and polar, with lysine, which is basic and polar, at codon 1371 of the NIN protein (p.Glu1371Lys). This variant is present in population databases (rs146491539, gnomAD 0.008%). This variant has not been reported in the literature in individuals affected with NIN-related conditions. Algorithms developed to predict the effect of missense changes on protein structure and function (SIFT, PolyPhen-2, Align-GVGD) all suggest that this variant is likely to be tolerated. In summary, the available evidence is currently insufficient to determine the role of this variant in disease. Therefore, it has been classified as a Variant of Uncertain Significance.